The following is an entry in ClinVar:

ClinVar aggregate classification (germline): Likely benign (1 of 4 stars; one submission).

Conditions:
GLIS3-related disorder. Also called: GLIS3-related condition.

Submission:

PreventionGenetics, part of Exact Sciences
Classification: Likely benign for GLIS3-related condition. Last evaluated: 2026-03-04. Review status: criteria provided, single submitter. Criteria: ACMG Guidelines, 2015. Collection method: clinical testing. Allele origin: germline.
Comment: This variant is classified as likely benign based on ACMG/AMP sequence variant interpretation guidelines (Richards et al. 2015 PMID: 25741868, with internal and published modifications).

NM_001042413.2(GLIS3):c.1251G>A (p.Leu417=)

Gene: GLIS3 (GLIS family zinc finger 3; minus strand). Cytogenetic location: 9p24.2.
Variant type: single nucleotide variant.
Coding change: c.1251G>A on transcript NM_001042413.2 (MANE Select); coding-DNA position 1251, G replaced by A.
Protein change: p.Leu417=; no amino-acid change (leucine 417 retained).
Molecular consequence: synonymous variant.
Genome position (GRCh38, 1-based): chr9:4,118,227, C>T on the plus strand (G>A on the coding strand, the complement: GLIS3 is on the minus strand). VCF-style: chr9-4118227-C-T. GRCh37 (hg19) VCF-style: chr9-4118227-C-T.
Other names: c.1251G>A, p.Leu417= (NM_001438906.1, NM_001438907.1, NM_001438908.1 and 2 more transcripts); c.786G>A, p.Leu262= (NM_001438909.1, NM_001438915.1, NM_152629.4); c.585G>A, p.Leu195= (NM_001438911.1, NM_001438912.1, NM_001438916.1).
Identifiers: ClinVar variation 4982649 (VCV004982649.1).